The following is an entry in ClinVar:

ClinVar aggregate classification (germline): Pathogenic (1 of 4 stars; one submission).

Conditions:
Familial cancer of breast. Also called: Hereditary breast cancer; BREAST CANCER, FAMILIAL; hereditary breast carcinoma. Identifiers: Orphanet 227535, MedGen C0346153, MONDO:0016419, OMIM 114480. Disease mechanism: loss of function.

Submission:

Myriad Genetics, Inc.
Classification: Pathogenic for Familial cancer of breast. Last evaluated: 2023-06-07. Review status: criteria provided, single submitter. Criteria: Myriad Autosomal Dominant, Autosomal Recessive and X-Linked Classification Criteria (2023). Collection method: clinical testing. Allele origin: unknown.
Comment: This variant is considered pathogenic. This variant creates a frameshift predicted to result in premature protein truncation.

NM_032043.3(BRIP1):c.2893del (p.Arg965fs)

Gene: BRIP1 (BRCA1 interacting DNA helicase 1; minus strand). Cytogenetic location: 17q23.2.
Variant type: Deletion.
Coding change: c.2893del on transcript NM_032043.3 (MANE Select); coding-DNA position 2893, one base deleted (A; older notation c.2893delA).
Protein change: p.Arg965fs; shifts the reading frame from arginine 965.
Molecular consequence: frameshift variant.
Genome position (GRCh38, 1-based): chr17:61,685,848, T deleted on the plus strand (A on the coding strand, the reverse complement: BRIP1 is on the minus strand). VCF-style (leftmost placement, unchanged base first): chr17-61685847-CT-C. GRCh37 (hg19) VCF-style: chr17-59763208-CT-C.
Other names: short protein forms R965fs.
Identifiers: ClinVar variation 2583417 (VCV002583417.2), dbSNP rs2487775482, ClinGen allele CA2582342313.